The following is an entry in ClinVar:

ClinVar aggregate classification (germline): Benign. Review status: criteria provided, multiple submitters, no conflicts (2 of 4 stars). 3 submissions from 2 submitters: Benign (3). Last evaluated 2018-01-13.

Conditions:
Retinitis pigmentosa (RP). Identifiers: Orphanet 791, MedGen C0035334, MeSH D012174, MONDO:0019200, OMIM 268000. Inheritance: Autosomal dominant, autosomal recessive and X linked inheritance.
Leber congenital amaurosis 2 (LCA2). Also called: Autosomal Recessive RPE65-Related Retinal Degeneration; AMAUROSIS CONGENITA OF LEBER II. Identifiers: Orphanet 65, MedGen C1859844, MONDO:0008765, OMIM 204100. Disease mechanism: loss of function.

Allele frequency attached by ClinVar (database versions not stated): gnomAD exomes 0.28286; gnomAD 0.42147 and 0.42959; TOPMed 0.43461; 1000 Genomes Project 30x 0.56230; 1000 Genomes Project 0.56550.
gnomAD v4.1: 65,187 of 152,336 alleles (43%); highest among the groups gnomAD compares: East Asian, 77%; 15,206 homozygotes.

Submissions (3):

Illumina Laboratory Services, Illumina
Classification: Benign for Leber congenital amaurosis 2. Last evaluated: 2018-01-13. Review status: criteria provided, single submitter. Criteria: ICSL Variant Classification Criteria 13 December 2019. Collection method: clinical testing. Allele origin: germline.
Comment: This variant was observed in the ICSL laboratory as part of a predisposition screen in an ostensibly healthy population. It had not been previously curated by ICSL or reported in the Human Gene Mutation Database (HGMD: prior to June 1st, 2018), and was therefore a candidate for classification through an automated scoring system. Utilizing variant allele frequency, disease prevalence and penetrance estimates, and inheritance mode, an automated score was calculated to assess if this variant is too frequent to cause the disease. Based on the score and internal cut-off values, a variant classified as benign is not then subjected to further curation. The score for this variant resulted in a classification of benign for this disease.

Illumina Laboratory Services, Illumina
Classification: Benign for Retinitis pigmentosa. Last evaluated: 2018-01-13. Review status: criteria provided, single submitter. Criteria: ICSL Variant Classification Criteria 13 December 2019. Collection method: clinical testing. Allele origin: germline.
Comment: the same text as in the submission from Illumina Laboratory Services, Illumina above.

Breakthrough Genomics
Classification: Benign. Review status: criteria provided, single submitter. Criteria: ACMG Guidelines, 2015. Collection method: not provided. Allele origin: germline. Inheritance: Autosomal recessive inheritance. Affected: yes.

NM_000329.3(RPE65):c.*611G>A

Gene: RPE65 (retinoid isomerohydrolase RPE65; minus strand). Cytogenetic location: 1p31.3.
Variant type: single nucleotide variant.
Coding change: c.*611G>A on transcript NM_000329.3 (MANE Select); 611 bases downstream of the stop codon, G replaced by A.
Molecular consequence: 3 prime UTR variant.
Genome position (GRCh38, 1-based): chr1:68,429,165, C>T on the plus strand (G>A on the coding strand, the complement: RPE65 is on the minus strand). VCF-style: chr1-68429165-C-T. GRCh37 (hg19) VCF-style: chr1-68894848-C-T.
Identifiers: ClinVar variation 298013 (VCV000298013.6), dbSNP rs2182315, ClinGen allele CA10611415.